The following is an entry in ClinVar:

ClinVar aggregate classification (germline): Likely benign (0 of 4 stars; one submission).

Conditions:
SPNS2-related disorder. Also called: SPNS2-related condition.

Allele frequency attached by ClinVar (database versions not stated): 1000 Genomes Project 30x 0.00016; 1000 Genomes Project 0.00020; gnomAD 0.00086; ESP Exome Variant Server 0.00097; ExAC 0.00106; TOPMed 0.00132.
gnomAD v4.1: 2,251 of 1,613,776 alleles (0.14%); highest among the groups gnomAD compares: Non-Finnish European, 0.18%; 3 homozygotes.

Submission:

PreventionGenetics, part of Exact Sciences
Classification: Likely benign for SPNS2-related condition. Last evaluated: 2022-02-15. Review status: no assertion criteria provided. Collection method: clinical testing. Allele origin: germline.
Comment: This variant is classified as likely benign based on ACMG/AMP sequence variant interpretation guidelines (Richards et al. 2015 PMID: 25741868, with internal and published modifications).

NM_001124758.3(SPNS2):c.1291G>A (p.Val431Ile)

Gene: SPNS2 (SPNS lysolipid transporter 2, sphingosine-1-phosphate; plus strand). Cytogenetic location: 17p13.2.
Variant type: single nucleotide variant.
Coding change: c.1291G>A on transcript NM_001124758.3 (MANE Select); coding-DNA position 1291, G replaced by A.
Protein change: p.Val431Ile; replaces valine 431 with isoleucine.
Molecular consequence: missense variant.
Genome position (GRCh38, 1-based): chr17:4,533,800, G>A. VCF-style: chr17-4533800-G-A. GRCh37 (hg19) VCF-style: chr17-4437095-G-A.
Other names: short protein forms V431I.
Identifiers: ClinVar variation 3033814 (VCV003033814.2), dbSNP rs200461572, ClinGen allele CA8303284.